The following is an entry in ClinVar:

NM_005422.4(TECTA):c.6046G>A (p.Val2016Ile)

Genes: TBCEL-TECTA (TBCEL-TECTA readthrough; plus strand), TECTA (tectorin alpha; plus strand). Cytogenetic location: 11q23.3.
Variant type: single nucleotide variant.
Coding change: c.6046G>A on transcript NM_005422.4 (MANE Select); coding-DNA position 6046, G replaced by A.
Protein change: p.Val2016Ile; replaces valine 2016 with isoleucine.
Molecular consequence: missense variant.
Genome position (GRCh38, 1-based): chr11:121,187,878, G>A. VCF-style: chr11-121187878-G-A. GRCh37 (hg19) VCF-style: chr11-121058587-G-A.
Other names: c.6988G>A, p.Val2330Ile (NM_001378761.1); c.6046G>A (NM_005422.2); short protein forms V2016I, V2330I.
Identifiers: ClinVar variation 2049871 (VCV002049871.5), dbSNP rs765742951, ClinGen allele CA6327873.

ClinVar aggregate classification (germline): Conflicting classifications of pathogenicity. Review status: criteria provided, conflicting classifications (1 of 4 stars). 2 submissions from 2 submitters: Uncertain significance (1); Likely benign (1). Last evaluated 2025-07-18.

Conditions:
TECTA-related disorder. Also called: TECTA-related condition.

Allele frequency attached by ClinVar (database versions not stated): gnomAD 0.00001; gnomAD exomes 0.00002; TOPMed 0.00007; ExAC 0.00009.
gnomAD v4.1: 25 of 1,614,108 alleles (0.0015%); highest among the groups gnomAD compares: Admixed American, 0.037%; no homozygotes.

Submissions (2):

PreventionGenetics, part of Exact Sciences
Classification: Uncertain significance for TECTA-related condition. Last evaluated: 2025-07-18. Review status: criteria provided, single submitter. Criteria: ACMG Guidelines, 2015. Collection method: clinical testing. Allele origin: germline.
Comment: The TECTA c.6046G>A variant is predicted to result in the amino acid substitution p.Val2016Ile. To our knowledge, this variant has not been reported in the literature. This variant is reported in 0.045% of alleles in individuals of Latino descent in gnomAD. At this time, the clinical significance of this variant is uncertain due to the absence of conclusive functional and genetic evidence.

Labcorp Genetics (formerly Invitae), Labcorp
Classification: Likely benign. Last evaluated: 2025-07-10. Review status: criteria provided, single submitter. Criteria: Invitae Variant Classification Sherloc (09022015). Collection method: clinical testing. Allele origin: germline.